The following is an entry in ClinVar:

ClinVar aggregate classification (germline): Uncertain significance (1 of 4 stars; one submission).

Conditions:
Congenital contractural arachnodactyly (CCA). Also called: BEALS SYNDROME; Arthrogryposis, distal, type 9; Beals-Hecht syndrome. Identifiers: Orphanet 115, MedGen C0220668, MONDO:0007363, OMIM 121050.

gnomAD v4.1: 1 of 1,613,954 alleles (0.000062%); highest among the groups gnomAD compares: South Asian, 0.0011%; no homozygotes.

Submission:

Labcorp Genetics (formerly Invitae), Labcorp
Classification: Uncertain significance for Congenital contractural arachnodactyly. Last evaluated: 2025-10-24. Review status: criteria provided, single submitter. Criteria: Invitae Variant Classification Sherloc (09022015). Collection method: clinical testing. Allele origin: germline.
Comment: This sequence change replaces cysteine, which is neutral and slightly polar, with arginine, which is basic and polar, at codon 890 of the FBN2 protein (p.Cys890Arg). This variant is present in population databases (no rsID available, gnomAD 0.003%). This variant has not been reported in the literature in individuals affected with FBN2-related conditions. Invitae Evidence Modeling of protein sequence and biophysical properties (such as structural, functional, and spatial information, amino acid conservation, physicochemical variation, residue mobility, and thermodynamic stability) indicates that this missense variant is expected to disrupt FBN2 protein function with a positive predictive value of 80%. In summary, the available evidence is currently insufficient to determine the role of this variant in disease. Therefore, it has been classified as a Variant of Uncertain Significance.

NM_001999.4(FBN2):c.2668T>C (p.Cys890Arg)

Gene: FBN2 (fibrillin 2; minus strand). Cytogenetic location: 5q23.3.
Variant type: single nucleotide variant.
Coding change: c.2668T>C on transcript NM_001999.4 (MANE Select); coding-DNA position 2668, T replaced by C.
Protein change: p.Cys890Arg; replaces cysteine 890 with arginine.
Molecular consequence: missense variant.
Genome position (GRCh38, 1-based): chr5:128,357,282, A>G on the plus strand (T>C on the coding strand, the complement: FBN2 is on the minus strand). VCF-style: chr5-128357282-A-G. GRCh37 (hg19) VCF-style: chr5-127692974-A-G.
Other names: short protein forms C890R.
Identifiers: ClinVar variation 4809686 (VCV004809686.1).